The following is an entry in ClinVar:

ClinVar aggregate classification (germline): Uncertain significance (1 of 4 stars; one submission).

Conditions:
Hereditary cancer-predisposing syndrome. Also called: Hereditary Cancer Syndrome; Hereditary neoplastic syndrome; Tumor predisposition; Neoplastic Syndromes, Hereditary. Identifiers: Orphanet 140162, MedGen C0027672, MeSH D009386, MONDO:0015356.

Submission:

Ambry Genetics
Classification: Uncertain significance for Hereditary cancer-predisposing syndrome. Last evaluated: 2020-03-02. Review status: criteria provided, single submitter. Criteria: Ambry Variant Classification Scheme 2023. Collection method: clinical testing. Allele origin: germline.
Comment: The p.Y8C variant (also known as c.23A>G), located in coding exon 1 of the PHOX2B gene, results from an A to G substitution at nucleotide position 23. The tyrosine at codon 8 is replaced by cysteine, an amino acid with highly dissimilar properties. This amino acid position is highly conserved in available vertebrate species. In addition, this alteration is predicted to be deleterious by in silico analysis. Since supporting evidence is limited at this time, the clinical significance of this alteration remains unclear.

NM_003924.4(PHOX2B):c.23A>G (p.Tyr8Cys)

Genes: PHOX2B (paired like homeobox 2B; minus strand), PHOX2B-AS1 (PHOX2B antisense RNA 1; plus strand). Cytogenetic location: 4p13.
Variant type: single nucleotide variant.
Coding change: c.23A>G on transcript NM_003924.4 (MANE Select); coding-DNA position 23, A replaced by G.
Protein change: p.Tyr8Cys; replaces tyrosine 8 with cysteine.
Molecular consequence: missense variant.
Genome position (GRCh38, 1-based): chr4:41,748,588, T>C on the plus strand (A>G on the coding strand, the complement: PHOX2B is on the minus strand). VCF-style: chr4-41748588-T-C. GRCh37 (hg19) VCF-style: chr4-41750605-T-C.
Other names: short protein forms Y8C.
Identifiers: ClinVar variation 1790698 (VCV001790698.2), dbSNP rs2552097197, ClinGen allele CA356741373.